The following is an entry in ClinVar:

NM_000540.3(RYR1):c.3766-1G>A

Gene: RYR1 (ryanodine receptor 1; plus strand). Cytogenetic location: 19q13.2.
Variant type: single nucleotide variant.
Coding change: c.3766-1G>A on transcript NM_000540.3 (MANE Select); the canonical splice acceptor site of the intron before coding-DNA position 3766, G replaced by A.
Molecular consequence: splice acceptor variant.
Genome position (GRCh38, 1-based): chr19:38,473,376, G>A. VCF-style: chr19-38473376-G-A. GRCh37 (hg19) VCF-style: chr19-38964016-G-A.
Other names: c.3766-1G>A (NM_001042723.2).
Identifiers: ClinVar variation 1067504 (VCV001067504.7), dbSNP rs2145482463, ClinGen allele CA405641333.

ClinVar aggregate classification (germline): Likely pathogenic (1 of 4 stars; one submission).

Conditions:
RYR1-related disorder. Also called: RYR1-related condition; RYR1-related disorders. Identifiers: MedGen CN239331.

Submission:

Labcorp Genetics (formerly Invitae), Labcorp
Classification: Likely pathogenic for RYR1-related disorder. Last evaluated: 2020-08-25. Review status: criteria provided, single submitter. Criteria: Invitae Variant Classification Sherloc (09022015). Collection method: clinical testing. Allele origin: germline.
Comment: In summary, the currently available evidence indicates that the variant is pathogenic, but additional data are needed to prove that conclusively. Therefore, this variant has been classified as Likely Pathogenic. Donor and acceptor splice site variants typically lead to a loss of protein function (PMID: 16199547), and loss-of-function variants in RYR1 are known to be pathogenic (PMID: 20583297, 20839240, 23919265, 28818389). Algorithms developed to predict the effect of sequence changes on RNA splicing suggest that this variant may disrupt the consensus splice site, but this prediction has not been confirmed by published transcriptional studies. This variant has not been reported in the literature in individuals with RYR1-related conditions. This variant is not present in population databases (ExAC no frequency). This sequence change affects an acceptor splice site in intron 27 of the RYR1 gene. It is expected to disrupt RNA splicing and likely results in an absent or disrupted protein product.

Literature cited by the submitters: PubMed 16199547; PubMed 20583297; PubMed 20839240; PubMed 23919265; PubMed 28818389.